The following is an entry in ClinVar:

NM_000939.4(POMC):c.154C>G (p.Pro52Ala)

Genes: POMC (proopiomelanocortin; minus strand), LOC129933280 (ATAC-STARR-seq lymphoblastoid silent region 11244; plus strand). Cytogenetic location: 2p23.3.
Variant type: single nucleotide variant.
Coding change: c.154C>G on transcript NM_000939.4 (MANE Select); coding-DNA position 154, C replaced by G.
Protein change: p.Pro52Ala; replaces proline 52 with alanine.
Molecular consequence: missense variant.
Genome position (GRCh38, 1-based): chr2:25,161,731, G>C on the plus strand (C>G on the coding strand, the complement: POMC is on the minus strand). VCF-style: chr2-25161731-G-C. GRCh37 (hg19) VCF-style: chr2-25384600-G-C.
Other names: c.154C>G, p.Pro52Ala (NM_001035256.3, NM_001319204.2, NM_001319205.2); short protein forms P52A.
Identifiers: ClinVar variation 4999758 (VCV004999758.1).

ClinVar aggregate classification (germline): Uncertain significance (1 of 4 stars; one submission).

Conditions:
POMC-related disorder. Also called: POMC-related condition; POMC-related disorders.

gnomAD v4.1: 1 of 1,594,688 alleles (0.000063%); highest among the groups gnomAD compares: African/African-American, 0.0013%; no homozygotes.

Submission:

PreventionGenetics, part of Exact Sciences
Classification: Uncertain significance for POMC-related condition. Last evaluated: 2024-12-08. Review status: criteria provided, single submitter. Criteria: ACMG Guidelines, 2015. Collection method: clinical testing. Allele origin: germline.
Comment: The POMC c.154C>G variant is predicted to result in the amino acid substitution p.Pro52Ala. To our knowledge, this variant has not been reported in the literature or in a large population database (gnomAD), indicating this variant is rare. At this time, the clinical significance of this variant is uncertain due to the absence of conclusive functional and genetic evidence.